The following is an entry in ClinVar:

ClinVar aggregate classification (germline): Uncertain significance (1 of 4 stars; one submission).

Allele frequency attached by ClinVar (database versions not stated): gnomAD 0.00001.
gnomAD v4.1: 2 of 1,614,104 alleles (0.00012%); highest among the groups gnomAD compares: African/African-American, 0.0027%; no homozygotes.

Submission:

Ambry Genetics
Classification: Uncertain significance. Last evaluated: 2024-01-05. Review status: criteria provided, single submitter. Criteria: Ambry Variant Classification Scheme 2023. Collection method: clinical testing. Allele origin: germline.
Comment: The p.Q371R variant (also known as c.1112A>G), located in coding exon 3 of the TERF2IP gene, results from an A to G substitution at nucleotide position 1112. The glutamine at codon 371 is replaced by arginine, an amino acid with highly similar properties. This amino acid position is conserved. In addition, this alteration is predicted to be tolerated by in silico analysis. Since supporting evidence is limited at this time, the clinical significance of this alteration remains unclear.

NM_018975.4(TERF2IP):c.1112A>G (p.Gln371Arg)

Gene: TERF2IP (TERF2 interacting protein; plus strand). Cytogenetic location: 16q23.1.
Variant type: single nucleotide variant.
Coding change: c.1112A>G on transcript NM_018975.4 (MANE Select); coding-DNA position 1112, A replaced by G.
Protein change: p.Gln371Arg; replaces glutamine 371 with arginine.
Molecular consequence: missense variant. On other transcripts: non-coding transcript variant (1).
Genome position (GRCh38, 1-based): chr16:75,656,523, A>G. VCF-style: chr16-75656523-A-G. GRCh37 (hg19) VCF-style: chr16-75690421-A-G.
Other names: short protein forms Q371R.
Identifiers: ClinVar variation 3227154 (VCV003227154.1), dbSNP rs1300946802, ClinGen allele CA396820287.